The following is an entry in ClinVar:

ClinVar aggregate classification (germline): Conflicting classifications of pathogenicity. Review status: criteria provided, conflicting classifications (1 of 4 stars). 4 submissions from 4 submitters: Pathogenic (1); Uncertain significance (3). Last evaluated 2026-04-14.

Conditions:
Familial intrahepatic cholestasis. Identifiers: Orphanet 284385, MedGen CN296401, MONDO:0017290.
Progressive familial intrahepatic cholestasis type 1. Also called: BYLER DISEASE; Byler's disease; Severe ATP8B1 Deficiency (Progressive Familial Intrahepatic Cholestasis Type 1 [PFIC1]). Identifiers: Orphanet 79306, MedGen C4551898, MONDO:0008892, OMIM 211600.

Allele frequency attached by ClinVar (database versions not stated): gnomAD exomes below 0.00001 and 0.00001; gnomAD 0.00001; TOPMed 0.00001; ExAC 0.00002.
gnomAD v4.1: 8 of 1,613,792 alleles (0.0005%); highest among the groups gnomAD compares: Admixed American, 0.0017%; no homozygotes.

Submissions (4):

Genomenon, Inc
Classification: Uncertain significance for Familial intrahepatic cholestasis. Last evaluated: 2026-04-14. Review status: criteria provided, single submitter. Criteria: Genomenon Sequence Variant Interpretation Standards - Updated. Collection method: curation. Allele origin: germline. Affected: yes.
Comment: ATP8B1 p.Arg867His (c.2600G>A) is a missense variant that changes the amino acid at residue 867 from Arginine to Histidine. This variant has been observed in at least one proband with features of ATP8B1-deficiency (PMID:39768432;18379143). At least one functional study has demonstrated a substantial alteration in protein function relative to the wild-type (PMID:33437900). At least one splicing study demonstrated no effect on splicing (PMID:33437900). It is absent or not present at a significant frequency in gnomAD. In silico models predict that this variant is possibly or probably damaging. In conclusion, we classify ATP8B1 p.Arg867His (c.2600G>A) as a variant of uncertain significance.

Women's Health and Genetics/Laboratory Corporation of America, LabCorp
Classification: Uncertain significance. Last evaluated: 2024-09-20. Review status: criteria provided, single submitter. Criteria: LabCorp Variant Classification Summary - May 2015. Collection method: clinical testing. Allele origin: germline.
Comment: Variant summary: ATP8B1 c.2600G>A (p.Arg867His) results in a non-conservative amino acid change located in the P-type ATPase, haloacid dehalogenase domain (IPR044492) of the encoded protein sequence. Five of five in-silico tools predict a damaging effect of the variant on protein function. The variant allele was found at a frequency of 8e-06 in 251388 control chromosomes. The available data on variant occurrences in the general population are insufficient to allow any conclusion about variant significance. c.2600G>A has been reported in the literature in at least three compound heterozygous individuals affected with Familial Intrahepatic Cholestasis (e.g., Uegaki_2008, Mizutani_2020, Almes_2022, Thompson_2022), however in one of these individuals, a co-occurring pathogenic CFTR variant was identified (e.g., Almes_2022). These data indicate that the variant may be associated with disease. To our knowledge, no experimental evidence demonstrating an impact on protein function has been reported. The following publications have been ascertained in the context of this evaluation (PMID: 18379143, 33437900, 35626323, 35780807). ClinVar contains an entry for this variant (Variation ID: 871594). Based on the evidence outlined above, the variant was classified as VUS-possibly pathogenic.

CeGaT Center for Human Genetics Tuebingen
Classification: Pathogenic. Last evaluated: 2016-10-01. Review status: criteria provided, single submitter. Criteria: CeGaT Center For Human Genetics Tuebingen Variant Classification Criteria Version 2. Collection method: clinical testing. Allele origin: germline. Affected: yes. Observed: 1 variant allele.

Neuberg Centre For Genomic Medicine, NCGM
Classification: Uncertain significance for Progressive familial intrahepatic cholestasis type 1. Review status: criteria provided, single submitter. Criteria: ACMG Guidelines, 2015. Collection method: clinical testing. Allele origin: germline. Inheritance: Autosomal recessive inheritance. Affected: yes.
Comment: TheATP8B1 c.2600G>A variant has been reported in heterozygous state in an individual affected with Cholestasis, progressive familial intrahepatic 1 (Ayumu Mizutani et. al., 2021). The p.Arg867His variant is novel (not in any individuals) in 1000 Genomes and has allele frequency of 0.0008% in gnomAD database. This variant has been submitted to ClinVar as Pathogenic, but no details are available for independent assessment. The amino acid Arg at position 867 is changed to His changing protein sequence and it might alter its composition and physico-chemical properties. The variant is predicted to be damaging by both SIFT and PolyPhen2. The residue is conserved across species. The amino acid change p.Arg867His in ATP8B1 is predicted as conserved by GERP++ and PhyloP across 100 vertebrates. For these reasons, this variant has been classified as Uncertain Significance (VUS). In the absence of another reportable variant the molecular diagnosis is not confirmed.

Literature cited by the submitters: PubMed 39768432 (cited by Genomenon, Inc); PubMed 18379143 (cited by Genomenon, Inc and Women's Health and Genetics/Laboratory Corporation of America, LabCorp); PubMed 33437900 (cited by Genomenon, Inc and Women's Health and Genetics/Laboratory Corporation of America, LabCorp); PubMed 35780807 (cited by Women's Health and Genetics/Laboratory Corporation of America, LabCorp); PubMed 35626323 (cited by Women's Health and Genetics/Laboratory Corporation of America, LabCorp).

NM_001374385.1(ATP8B1):c.2600G>A (p.Arg867His)

Genes: ATP8B1 (ATPase phospholipid transporting 8B1; minus strand), ATP8B1-AS1 (ATP8B1 antisense RNA 1; plus strand). Cytogenetic location: 18q21.31.
Variant type: single nucleotide variant.
Coding change: c.2600G>A on transcript NM_001374385.1 (MANE Select); coding-DNA position 2600, G replaced by A.
Protein change: p.Arg867His; replaces arginine 867 with histidine.
Molecular consequence: missense variant.
Genome position (GRCh38, 1-based): chr18:57,661,281, C>T on the plus strand (G>A on the coding strand, the complement: ATP8B1 is on the minus strand). VCF-style: chr18-57661281-C-T. GRCh37 (hg19) VCF-style: chr18-55328513-C-T.
Other names: c.2450G>A, p.Arg817His (NM_001374386.1); c.2600G>A, p.Arg867His (NM_005603.6); short protein forms R817H, R867H.
Identifiers: ClinVar variation 871594 (VCV000871594.43), dbSNP rs745546266, ClinGen allele CA8974218.